The following is an entry in ClinVar:

NM_001701.4(BAAT):c.*1085C>G

Gene: BAAT (bile acid-CoA:amino acid N-acyltransferase; minus strand). Cytogenetic location: 9q31.1.
Variant type: single nucleotide variant.
Coding change: c.*1085C>G on transcript NM_001701.4 (MANE Select); 1085 bases downstream of the stop codon, C replaced by G.
Molecular consequence: 3 prime UTR variant.
Genome position (GRCh38, 1-based): chr9:101,361,343, G>C on the plus strand (C>G on the coding strand, the complement: BAAT is on the minus strand). VCF-style: chr9-101361343-G-C. GRCh37 (hg19) VCF-style: chr9-104123625-G-C.
Other names: c.*1085C>G (NM_001127610.2, NM_001374715.1).
Identifiers: ClinVar variation 913814 (VCV000913814.4), dbSNP rs377765138, ClinGen allele CA196948165.

ClinVar aggregate classification (germline): Likely benign (1 of 4 stars; one submission).

Conditions:
Hypercholanemia, familial 1 (FHCA1). Identifiers: Orphanet 238475, MedGen C5542604, MONDO:0031446, OMIM 607748.

Allele frequency attached by ClinVar (database versions not stated): gnomAD 0.00003 and 0.00025; TOPMed 0.00005; 1000 Genomes Project 30x 0.00219; 1000 Genomes Project 0.00220.

Submission:

Illumina Laboratory Services, Illumina
Classification: Likely benign for Hypercholanemia, familial 1. Last evaluated: 2018-01-13. Review status: criteria provided, single submitter. Criteria: ICSL Variant Classification Criteria 13 December 2019. Collection method: clinical testing. Allele origin: germline.
Comment: This variant was observed in the ICSL laboratory as part of a predisposition screen in an ostensibly healthy population. It had not been previously curated by ICSL or reported in the Human Gene Mutation Database (HGMD: prior to June 1st, 2018), and was therefore a candidate for classification through an automated scoring system. Utilizing variant allele frequency, disease prevalence and penetrance estimates, and inheritance mode, an automated score was calculated to assess if this variant is too frequent to cause the disease. Based on the score and internal cut-off values, a variant classified as likely benign is not then subjected to further curation. The score for this variant resulted in a classification of likely benign for this disease.